The following is an entry in ClinVar:

ClinVar aggregate classification (germline): Uncertain significance. Review status: criteria provided, multiple submitters, no conflicts (2 of 4 stars). 6 submissions from 6 submitters: Uncertain significance (6). Last evaluated 2025-12-08.

Conditions:
Hereditary cancer-predisposing syndrome. Also called: Neoplastic Syndromes, Hereditary; Hereditary Cancer Syndrome; Tumor predisposition; Hereditary neoplastic syndrome. Identifiers: Orphanet 140162, MedGen C0027672, MeSH D009386, MONDO:0015356.
Familial cancer of breast. Also called: Hereditary breast cancer; hereditary breast carcinoma; BREAST CANCER, FAMILIAL. Identifiers: Orphanet 227535, MedGen C0346153, MONDO:0016419, OMIM 114480. Disease mechanism: loss of function.

Allele frequency attached by ClinVar (database versions not stated): gnomAD 0.00001; gnomAD exomes 0.00001; TOPMed 0.00001.
gnomAD v4.1: 8 of 1,613,916 alleles (0.0005%); highest among the groups gnomAD compares: Non-Finnish European, 0.00068%; no homozygotes.

Submissions (6):

Labcorp Genetics (formerly Invitae), Labcorp
Classification: Uncertain significance for Familial cancer of breast. Last evaluated: 2025-12-08. Review status: criteria provided, single submitter. Criteria: Invitae Variant Classification Sherloc (09022015). Collection method: clinical testing. Allele origin: germline.
Comment: This sequence change replaces arginine, which is basic and polar, with lysine, which is basic and polar, at codon 117 of the CHEK2 protein (p.Arg117Lys). This variant is present in population databases (rs587781982, gnomAD 0.007%). This missense change has been observed in individual(s) with breast cancer (PMID: 37449874). ClinVar contains an entry for this variant (Variation ID: 141749). An algorithm developed to predict the effect of missense changes on protein structure and function (PolyPhen-2) suggests that this variant is likely to be disruptive. Experimental studies have shown that this missense change affects CHEK2 function (PMID: 37449874). This variant disrupts the p.Arg117 amino acid residue in CHEK2. Other variant(s) that disrupt this residue have been determined to be pathogenic (PMID: 12454775, 12610780, 16982735, 18725978, 21244692, 22419737; internal data). This suggests that this residue is clinically significant, and that variants that disrupt this residue are likely to be disease-causing. In summary, the available evidence is currently insufficient to determine the role of this variant in disease. Therefore, it has been classified as a Variant of Uncertain Significance.

Ambry Genetics
Classification: Uncertain significance for Hereditary cancer-predisposing syndrome. Last evaluated: 2024-05-10. Review status: criteria provided, single submitter. Criteria: Ambry Variant Classification Scheme 2023. Collection method: clinical testing. Allele origin: germline.
Comment: The p.R117K variant (also known as c.350G>A), located in coding exon 2 of the CHEK2 gene, results from a G to A substitution at nucleotide position 350. The arginine at codon 117 is replaced by lysine, an amino acid with highly similar properties. This alteration has been reported in at least one subject in a study of 13087 breast cancer cases and 5488 control individuals in the UK (Decker B et al. J Med Genet, 2017 11;54:732-741). Additionally, this alteration was reported as functionally impaired in a study assessing CHEK2-complementation through quantification of KAP1 phosphorylation and CHK2 autophosphorylation in human RPE1-CHEK2-knockout cells (Stolarova L et al. Clin Cancer Res, 2023 Aug;29:3037-3050). This amino acid position is highly conserved in available vertebrate species. In addition, this alteration is predicted to be deleterious by in silico analysis. Based on the available evidence, the clinical significance of this variant remains unclear.

Blueprint Genetics
Classification: Uncertain significance. Last evaluated: 2023-03-27. Review status: criteria provided, single submitter. Criteria: ACMG Guidelines, 2015. Collection method: clinical testing. Allele origin: germline.

GeneDx
Classification: Uncertain significance. Last evaluated: 2022-12-12. Review status: criteria provided, single submitter. Criteria: GeneDx Variant Classification Process June 2021. Collection method: clinical testing. Allele origin: germline. Affected: yes.
Comment: Not observed at significant frequency in large population cohorts (gnomAD); In silico analysis supports that this missense variant has a deleterious effect on protein structure/function; Observed in a patient with rhabdomyosarcoma (Wagener et al., 2022); Published functional studies suggest no damaging effect: retained protein expression and autophosphorylation (Wagener et al., 2022); This variant is associated with the following publications: (PMID: 19782031, 22419737, 36468172)

Quest Diagnostics Nichols Institute San Juan Capistrano
Classification: Uncertain significance. Last evaluated: 2021-04-02. Review status: criteria provided, single submitter. Criteria: Quest Diagnostics criteria. Collection method: clinical testing. Allele origin: unknown.

Color Diagnostics, LLC DBA Color Health
Classification: Uncertain significance for Hereditary cancer-predisposing syndrome. Last evaluated: 2020-08-13. Review status: criteria provided, single submitter. Criteria: ACMG Guidelines, 2015. Collection method: clinical testing. Allele origin: germline.
Comment: This missense variant replaces arginine with lysine at codon 117 of the CHEK2 protein. Computational prediction suggests that this variant may have deleterious impact on protein structure and function (internally defined REVEL score threshold >= 0.7, PMID: 27666373). To our knowledge, functional studies have not been reported for this variant. This variant has not been reported in individuals affected with hereditary cancer in the literature. This variant has been identified in 1/31408 chromosomes in the general population by the Genome Aggregation Database (gnomAD). The available evidence is insufficient to determine the role of this variant in disease conclusively. Therefore, this variant is classified as a Variant of Uncertain Significance.

Literature cited by the submitters: PubMed 37449874 (cited by Labcorp Genetics (formerly Invitae), Labcorp and Ambry Genetics); PubMed 12454775 (cited by Labcorp Genetics (formerly Invitae), Labcorp); PubMed 12610780 (cited by Labcorp Genetics (formerly Invitae), Labcorp); PubMed 16982735 (cited by Labcorp Genetics (formerly Invitae), Labcorp); PubMed 18725978 (cited by Labcorp Genetics (formerly Invitae), Labcorp); PubMed 21244692 (cited by Labcorp Genetics (formerly Invitae), Labcorp); PubMed 22419737 (cited by Labcorp Genetics (formerly Invitae), Labcorp and Quest Diagnostics Nichols Institute San Juan Capistrano); PubMed 28779002 (cited by Ambry Genetics).

NM_007194.4(CHEK2):c.350G>A (p.Arg117Lys)

Gene: CHEK2 (checkpoint kinase 2; minus strand). Cytogenetic location: 22q12.1.
Variant type: single nucleotide variant.
Coding change: c.350G>A on transcript NM_007194.4 (MANE Select); coding-DNA position 350, G replaced by A.
Protein change: p.Arg117Lys; replaces arginine 117 with lysine.
Molecular consequence: missense variant.
Genome position (GRCh38, 1-based): chr22:28,725,337, C>T on the plus strand (G>A on the coding strand, the complement: CHEK2 is on the minus strand). VCF-style: chr22-28725337-C-T. GRCh37 (hg19) VCF-style: chr22-29121325-C-T.
Other names: c.479G>A, p.Arg160Lys (NM_001005735.3); c.-428G>A (NM_001257387.3); c.350G>A, p.Arg117Lys (NM_001349956.3, NM_145862.3); short protein forms R117K, R160K.
Identifiers: ClinVar variation 141749 (VCV000141749.23), dbSNP rs587781982, ClinGen allele CA166294.